The following is an entry in ClinVar:

NM_183075.3(CYP2U1):c.1161C>T (p.Gly387=)

Gene: CYP2U1 (cytochrome P450 family 2 subfamily U member 1; plus strand). Cytogenetic location: 4q25.
Variant type: single nucleotide variant.
Coding change: c.1161C>T on transcript NM_183075.3 (MANE Select); coding-DNA position 1161, C replaced by T.
Protein change: p.Gly387=; no amino-acid change (glycine 387 retained).
Molecular consequence: synonymous variant.
Genome position (GRCh38, 1-based): chr4:107,947,410, C>T. VCF-style: chr4-107947410-C-T. GRCh37 (hg19) VCF-style: chr4-108868566-C-T.
Identifiers: ClinVar variation 1616721 (VCV001616721.28), dbSNP rs150288490, ClinGen allele CA3037138.

ClinVar aggregate classification (germline): Likely benign. Review status: criteria provided, multiple submitters, no conflicts (2 of 4 stars). 2 submissions from 2 submitters: Likely benign (2). Last evaluated 2025-12-09.

Conditions:
Spastic paraplegia. Identifiers: MedGen C0037772, HP:0001258.

Allele frequency attached by ClinVar (database versions not stated): gnomAD 0.00011 and 0.00012; TOPMed 0.00012; ExAC 0.00017; ESP Exome Variant Server 0.00023.
gnomAD v4.1: 200 of 1,613,972 alleles (0.012%); highest among the groups gnomAD compares: East Asian, 0.094%; no homozygotes.

Submissions (2):

Labcorp Genetics (formerly Invitae), Labcorp
Classification: Likely benign for Spastic paraplegia. Last evaluated: 2025-12-09. Review status: criteria provided, single submitter. Criteria: Invitae Variant Classification Sherloc (09022015). Collection method: clinical testing. Allele origin: germline.

CeGaT Center for Human Genetics Tuebingen
Classification: Likely benign. Last evaluated: 2024-04-01. Review status: criteria provided, single submitter. Criteria: CeGaT Center For Human Genetics Tuebingen Variant Classification Criteria Version 2. Collection method: clinical testing. Allele origin: germline. Affected: yes. Observed: 1 variant allele.
Comment: CYP2U1: BP4, BP7